The following is an entry in ClinVar:

NM_000350.3(ABCA4):c.2337C>T (p.Cys779=)

Gene: ABCA4 (ATP binding cassette subfamily A member 4; minus strand). Cytogenetic location: 1p22.1.
Variant type: single nucleotide variant.
Coding change: c.2337C>T on transcript NM_000350.3 (MANE Select); coding-DNA position 2337, C replaced by T.
Protein change: p.Cys779=; no amino-acid change (cysteine 779 retained).
Molecular consequence: synonymous variant.
Genome position (GRCh38, 1-based): chr1:94,056,646, G>A on the plus strand (C>T on the coding strand, the complement: ABCA4 is on the minus strand). VCF-style: chr1-94056646-G-A. GRCh37 (hg19) VCF-style: chr1-94522202-G-A.
Other names: c.2337C>T (NM_000350.2).
Identifiers: ClinVar variation 1120798 (VCV001120798.13), dbSNP rs61749430, ClinGen allele CA958302.
Genomic context (GRCh38, chr1:94,056,646, plus strand): 5'-GCCCAAGGGCCTCACCACAGCCTTCTTCAGCTCAGCGGTCATGCGGTCCTGCCAGGCGAA[G>A]CACAGGATGTGTGGCAGGTAGAGGGTGAAATAGATGACACCACTACAGGCTGCTGCCAGA-3'
Protein context (NP_000341.2, residues 769-789): YFTLYLPHIL[Cys779=]FAWQDRMTAE

ClinVar aggregate classification (germline): Conflicting classifications of pathogenicity. Review status: criteria provided, conflicting classifications (1 of 4 stars). 5 submissions from 5 submitters: Uncertain significance (1); Likely benign (4). Last evaluated 2025-09-26.

Conditions:
Inborn genetic diseases. Identifiers: MedGen C0950123, MeSH D030342.
ABCA4-related disorder. Also called: ABCA4-related disorders; ABCA4-related condition. Identifiers: MedGen CN239167.

Allele frequency attached by ClinVar (database versions not stated): ExAC 0.00001; gnomAD exomes 0.00001; gnomAD 0.00005 and 0.00006; ESP Exome Variant Server 0.00008; TOPMed 0.00010.
gnomAD v4.1: 23 of 1,613,816 alleles (0.0014%); highest among the groups gnomAD compares: African/African-American, 0.024%; no homozygotes.

Submissions (5):

Ambry Genetics
Classification: Likely benign for Inborn genetic diseases. Last evaluated: 2025-09-26. Review status: criteria provided, single submitter. Criteria: Ambry Variant Classification Scheme 2023. Collection method: clinical testing. Allele origin: germline.

Labcorp Genetics (formerly Invitae), Labcorp
Classification: Likely benign. Last evaluated: 2025-06-12. Review status: criteria provided, single submitter. Criteria: Invitae Variant Classification Sherloc (09022015). Collection method: clinical testing. Allele origin: germline.

PreventionGenetics, part of Exact Sciences
Classification: Likely benign for ABCA4-related condition. Last evaluated: 2025-03-13. Review status: criteria provided, single submitter. Criteria: ACMG Guidelines, 2015. Collection method: clinical testing. Allele origin: germline.
Comment: This variant is classified as likely benign based on ACMG/AMP sequence variant interpretation guidelines (Richards et al. 2015 PMID: 25741868, with internal and published modifications).

Women's Health and Genetics/Laboratory Corporation of America, LabCorp
Classification: Likely benign. Last evaluated: 2024-04-29. Review status: criteria provided, single submitter. Criteria: LabCorp Variant Classification Summary - May 2015. Collection method: clinical testing. Allele origin: germline.

Blueprint Genetics
Classification: Uncertain significance. Last evaluated: 2022-09-09. Review status: criteria provided, single submitter. Criteria: ACMG Guidelines, 2015. Collection method: clinical testing. Allele origin: germline.